The following is an entry in ClinVar:

NM_001367721.1(CASK):c.2397C>G (p.Asp799Glu)

Gene: CASK (calcium/calmodulin dependent serine protein kinase; minus strand). Cytogenetic location: Xp11.4.
Variant type: single nucleotide variant.
Coding change: c.2397C>G on transcript NM_001367721.1 (MANE Select); coding-DNA position 2397, C replaced by G.
Protein change: p.Asp799Glu; replaces aspartic acid 799 with glutamic acid.
Molecular consequence: missense variant.
Genome position (GRCh38, 1-based): chrX:41,531,130, G>C on the plus strand (C>G on the coding strand, the complement: CASK is on the minus strand). VCF-style: chrX-41531130-G-C. GRCh37 (hg19) VCF-style: chrX-41390383-G-C.
Other names: c.2313C>G, p.Asp771Glu (NM_001126054.3); c.2310C>G, p.Asp770Glu (NM_001126055.3); c.2379C>G, p.Asp793Glu (NM_001410745.1); c.2382C>G, p.Asp794Glu (NM_003688.4); short protein forms D794E, D771E, D799E, D770E, D793E.
Identifiers: ClinVar variation 421288 (VCV000421288.2), dbSNP rs1064795035, ClinGen allele CA16621396.

ClinVar aggregate classification (germline): Uncertain significance (1 of 4 stars; one submission).

Submission:

GeneDx
Classification: Uncertain significance. Last evaluated: 2016-05-23. Review status: criteria provided, single submitter. Criteria: GeneDx Variant Classification (06012015). Collection method: clinical testing. Allele origin: germline. Affected: yes.
Comment: The D794E variant in the CASK gene has not been reported previously as a pathogenic variant, nor as a benign variant, to our knowledge. The D794E variant was not observed in approximately 6,500 individuals of European and African American ancestry in the NHLBI Exome Sequencing Project, indicating it is not a common benign variant in these populations. The D794E variant is a conservative amino acid substitution, which is not likely to impact secondary protein structure as these residues share similar properties. This substitution occurs at a position that is conserved across species. In silico analysis predicts this variant is probably damaging to the protein structure/function. We interpret D794E as a variant of uncertain significance.